The following is an entry in ClinVar:

NM_006904.7(PRKDC):c.643C>G (p.Pro215Ala)

Gene: PRKDC (protein kinase, DNA-activated, catalytic subunit; minus strand). Cytogenetic location: 8q11.21.
Variant type: single nucleotide variant.
Coding change: c.643C>G on transcript NM_006904.7 (MANE Select); coding-DNA position 643, C replaced by G.
Protein change: p.Pro215Ala; replaces proline 215 with alanine.
Molecular consequence: missense variant.
Genome position (GRCh38, 1-based): chr8:47,953,698, G>C on the plus strand (C>G on the coding strand, the complement: PRKDC is on the minus strand). VCF-style: chr8-47953698-G-C. GRCh37 (hg19) VCF-style: chr8-48866258-G-C.
Other names: c.643C>G, p.Pro215Ala (NM_001081640.2); short protein forms P215A.
Identifiers: ClinVar variation 2586653 (VCV002586653.2), dbSNP rs2090660511, ClinGen allele CA371138561.

ClinVar aggregate classification (germline): Uncertain significance (1 of 4 stars; one submission).

Allele frequency attached by ClinVar (database versions not stated): TOPMed below 0.00001.

Submission:

Ambry Genetics
Classification: Uncertain significance. Last evaluated: 2023-08-29. Review status: criteria provided, single submitter. Criteria: Ambry Variant Classification Scheme 2023. Collection method: clinical testing. Allele origin: germline.
Comment: The p.P215A variant (also known as c.643C>G), located in coding exon 7 of the PRKDC gene, results from a C to G substitution at nucleotide position 643. The proline at codon 215 is replaced by alanine, an amino acid with highly similar properties. This amino acid position is conserved. In addition, the in silico prediction for this alteration is inconclusive. Since supporting evidence is limited at this time, the clinical significance of this alteration remains unclear.